The following continues an entry in ClinVar:

NM_000520.6(HEXA):c.1073+1G>A

Gene: HEXA. ClinVar aggregate classification (germline): Pathogenic/Likely pathogenic. Pathogenic (23); Likely pathogenic (1).

Submissions 12 to 26 of 32:

Victorian Clinical Genetics Services, Murdoch Childrens Research Institute
Classification: Pathogenic for Tay-Sachs disease. Last evaluated: 2022-02-02. Review status: criteria provided, single submitter. Criteria: ACMG Guidelines, 2015. Collection method: clinical testing. Allele origin: germline. Inheritance: Autosomal recessive inheritance.
Comment: Based on the classification scheme VCGS_Germline_v1.3.4, this variant is classified as Pathogenic. Following criteria are met: 0102 - Loss of function is a known mechanism of disease in this gene and is associated with Tay-Sachs disease (MIM#272800). (I) 0106 - This gene is associated with autosomal recessive disease. (I) 0209 - Splice site variant proven to affect splicing of the transcript with uncertain effect on protein sequence. RT-PCR analysis on patient fibroblasts showed this variant has multiple aberrant splicing outcomes (PMID: 1301938). (SP) 0251 - This variant is heterozygous. (I) 0304 - Variant is present in gnomAD (v2) <0.01 for a recessive condition (57 heterozygotes, 0 homozygotes). (SP) 0703 - Other splice site variants comparable to the one identified in this case have moderate previous evidence for pathogenicity. Two other canonical splice site variants, c.1073+1G>C and c.1073+1G>T, have been reported in ClinVar as pathogenic and likely pathogenic respectively. (SP) 0801 - This variant has strong previous evidence of pathogenicity in unrelated individuals. This variant has been reported multiple times in individuals with Tay-Sachs disease (ClinVar). (SP) 1208 - Inheritance information for this variant is not currently available in this individual. (I) Legend: (SP) - Supporting pathogenic, (I) - Information, (SB) - Supporting benign

GeneDx
Classification: Pathogenic. Last evaluated: 2022-01-20. Review status: criteria provided, single submitter. Criteria: GeneDx Variant Classification Process June 2021. Collection method: clinical testing. Allele origin: germline. Affected: yes.
Comment: Identified on approximately 17% of alleles from non-Jewish Caucasians with Tay-Sachs disease and is associated with infantile onset (Akerman et al., 1992); Canonical splice site variant predicted to result in an in-frame deletion of exon 9; Published functional studies demonstrate c.1073+1 G>A destroys the canonical splice donor site in intron 9, activates a cryptic donor site, and causes abnormal gene splicing (Akerman et al., 1992; Akli et al., 1993); This variant is associated with the following publications: (PMID: 22344438, 25525159, 22975760, 28476546, 29152458, 1837283, 29930972, 21228398, 8444467, 26874567, 29352662, 26633545, 1387685, 1301938, 17237499, 31076878, 31980526, 33426165, 25900722, 8326491)

Revvity Omics, Revvity
Classification: Pathogenic for Tay-Sachs disease. Last evaluated: 2021-12-29. Review status: criteria provided, single submitter. Criteria: ACMG Guidelines, 2015. Collection method: clinical testing. Allele origin: germline.

MGZ Medical Genetics Center
Classification: Pathogenic for Tay-Sachs disease. Last evaluated: 2021-12-23. Review status: criteria provided, single submitter. Criteria: ACMG Guidelines, 2015. Collection method: clinical testing. Allele origin: germline. Affected: yes. Observed: 1 variant allele.
Comment: ACMG criteria applied: PVS1, PS4, PM3, PM2_SUP, PP1

Baylor Genetics
Classification: Pathogenic for Tay-Sachs disease. Last evaluated: 2021-10-26. Review status: criteria provided, single submitter. Criteria: ACMG Guidelines, 2015. Collection method: clinical testing. Allele origin: paternal. Affected: yes. Study: CSER-TexasKidsCanSeq.
Comment: This variant was determined to be pathogenic according to ACMG Guidelines, 2015 [PMID:25741868].

Institute of Medical Genetics and Applied Genomics, University Hospital Tübingen
Classification: Likely pathogenic. Last evaluated: 2020-10-23. Review status: criteria provided, single submitter. Criteria: ACMG Guidelines, 2015. Collection method: clinical testing. Allele origin: germline. Inheritance: Unknown mechanism. Affected: yes.

Myriad Genetics, Inc.
Classification: Pathogenic for Tay-Sachs disease. Last evaluated: 2019-11-12. Review status: criteria provided, single submitter. Criteria: Myriad Women's Health Autosomal Recessive and X-Linked Classification Criteria (2019). Collection method: clinical testing. Allele origin: unknown.
Comment: NM_000520.4(HEXA):c.1073+1G>A(aka IVS9+1G>A) is classified as pathogenic in the context of hexosaminidase A deficiency. Please note that the c.1073+1G>A variant is associated with Tay-Sachs disease. Sources cited for classification include the following: PMID 8444467, 1387685, 22789865, 17015493, 8490625, 1837283 and 1301938. Classification of NM_000520.4(HEXA):c.1073+1G>A(aka IVS9+1G>A) is based on the following criteria: The variant is located at a canonical splice site, is expected to disrupt gene function and is reported in individuals with the relevant phenotype. Please note: this variant was assessed in the context of healthy population screening.

Illumina Laboratory Services, Illumina
Classification: Pathogenic for Tay-Sachs disease. Last evaluated: 2018-08-22. Review status: criteria provided, single submitter. Criteria: ICSLVariantClassificationCriteria RUGD 01 April 2020. Collection method: clinical testing. Allele origin: unknown.
Comment: The HEXA c.1073+1G>A variant occurs in a canonical splice site (donor) and is therefore predicted to disrupt or distort the normal gene product. The c.1073+1G>A variant affects a splice donor site in intron 9 and has been primarily reported in non-Ashkenazi Jewish probands of European descent (Park et al. 2010). Across a selection of available literature, the c.1073+1G>A variant has been identified in a homozygous state in three probands, in a compound heterozygous state in eight probands, in a heterozygous state in five probands in whom a second variant was not identified, and in seven probands in whom zygosity is unknown (Landels et al. 1992; McDowell et al. 1992; Akli et al. 1992; Akerman et al. 1992; Landels et al. 1993; Gort et al. 2012). The c.1073+1G>A variant was also identified in a heterozygous state in 25 unaffected carriers. The c.1073+1G>A variant was absent from 56 control alleles and is reported at a frequency of 0.000388 in the European (non-Finnish) population of the Genome Aggregation Database. RT-PCR analysis demonstrated that the c.1073+1G>A variant disrupts splicing of the HEXA gene and results in the production of numerous abnormal mRNA products (Akerman et al. 1992). Based on the evidence, the c.1073+1G>A variant is classified as pathogenic for hexoaminidase A deficiency.

Ambry Genetics
Classification: Pathogenic for Inborn genetic diseases. Last evaluated: 2017-11-06. Review status: criteria provided, single submitter. Criteria: Ambry Variant Classification Scheme 2023. Collection method: clinical testing. Allele origin: germline.
Comment: The c.1073+1G>A intronic pathogenic mutation (also known as IVS9+1G>A) results from a G to A substitution one nucleotide after coding exon 9 of the HEXA gene. This mutation is one of the most common found outside the Ashkenazi Jewish population, resulting in the activation of a cryptic donor site and abnormal RNA with a 17-bp insertion, which in turn leads to a reading frame shift and premature truncation (Akli S et al. Hum Genet. 1993;90(6):614-620). In addition to the clinical data presented in the literature, alterations that disrupt the canonical splice site are expected to cause aberrant splicing, resulting in an abnormal protein or a transcript that is subject to nonsense-mediated mRNA decay. As such, this alteration is classified as a disease-causing mutation.

Women's Health and Genetics/Laboratory Corporation of America, LabCorp
Classification: Pathogenic for Tay-Sachs disease. Last evaluated: 2016-11-14. Review status: criteria provided, single submitter. Criteria: LabCorp Variant Classification Summary - May 2015. Collection method: clinical testing. Allele origin: germline.
Comment: Variant summary: The HEXA c.1073+1G>A variant involves the alteration of a highly conserved nucleotide in the canonical splice donor site in intron 9. This variant was found in 27/119996 control chromosomes, predominantly observed in the European (Non-Finnish) subpopulation at a frequency of 0.0003776 (25/66208). This frequency is about lower the estimated maximal expected allele frequency of a pathogenic HEXA variant (0.0013975). This variant is a known common pathogenic variant mainly found in non-Jewish Caucasian (Landels_1992, Landels_1993, McDowell_1992, Akli_1993, Gort_2012, Utz_2015) with consistent genotype-phenotype and functional data. The frequency in control population therefore represents the carrier frequency. Multiple clinical diagnostic laboratories/reputable databases have classified this variant as pathogenic. Taken together, this variant is classified as Pathogenic.

Baylor Genetics
Classification: Pathogenic for Tay-Sachs disease. Last evaluated: 2015-07-30. Review status: criteria provided, single submitter. Criteria: Yang et al. 2013. Collection method: clinical testing. Allele origin: germline. Inheritance: Autosomal recessive inheritance. Affected: yes. Observed: 6 variant alleles, 4 heterozygotes, 2 compound heterozygotes. Study: Adult_WES.
Comment: Variant pathogenic in recessive state; heterozygotes are carriers.

HudsonAlpha Institute for Biotechnology
Classification: Pathogenic for Tay-Sachs disease. Last evaluated: 2014-04-10. Review status: criteria provided, single submitter. Criteria: HA_assertions_20150911. Collection method: research. Allele origin: unknown. Observed: 1 variant allele. Study: CSER-HudsonAlpha.

Eurofins Ntd Llc (ga)
Classification: Pathogenic. Last evaluated: 2012-11-08. Review status: criteria provided, single submitter. Criteria: EGL Classification Definitions 2015. Collection method: clinical testing. Allele origin: germline. Observed: 12 variant alleles, 11 heterozygotes, 1 homozygote.

Foundation for Research in Genetics and Endocrinology, FRIGE's Institute of Human Genetics
Classification: Pathogenic for Tay-Sachs disease. Last evaluated: 2014-06-17. Review status: no assertion criteria provided. Collection method: research. Allele origin: germline. Inheritance: Autosomal recessive inheritance. Affected: yes. Observed: 1 heterozygote. Not counted in ClinVar's aggregate classification.

OMIM
Classification: Pathogenic for TAY-SACHS DISEASE. Last evaluated: 1993-06-01. Review status: no assertion criteria provided. Collection method: literature only. Allele origin: germline. Not counted in ClinVar's aggregate classification.